The following is an entry in ClinVar:

ClinVar aggregate classification (germline): Pathogenic. Review status: criteria provided, multiple submitters, no conflicts (2 of 4 stars). 2 submissions from 2 submitters: Pathogenic (2). Last evaluated 2022-04-09.

Conditions:
3-Methylglutaconic aciduria type 2 (BTHS). Also called: Barth syndrome; CARDIOSKELETAL MYOPATHY WITH NEUTROPENIA AND ABNORMAL MITOCHONDRIA. Identifiers: Orphanet 111, MedGen C0574083, MONDO:0010543, OMIM 302060.

Submissions (2):

Labcorp Genetics (formerly Invitae), Labcorp
Classification: Pathogenic for 3-Methylglutaconic aciduria type 2. Last evaluated: 2022-04-09. Review status: criteria provided, single submitter. Criteria: Invitae Variant Classification Sherloc (09022015). Collection method: clinical testing. Allele origin: germline.
Comment: This sequence change creates a premature translational stop signal (p.Tyr51*) in the TAZ gene. It is expected to result in an absent or disrupted protein product. Loss-of-function variants in TAZ are known to be pathogenic (PMID: 16427346, 22382802, 23409742). This variant is not present in population databases (gnomAD no frequency). This variant has not been reported in the literature in individuals affected with TAZ-related conditions. For these reasons, this variant has been classified as Pathogenic.

Revvity Omics, Revvity
Classification: Pathogenic for 3-Methylglutaconic aciduria type 2. Last evaluated: 2021-11-30. Review status: criteria provided, single submitter. Criteria: ACMG Guidelines, 2015. Collection method: clinical testing. Allele origin: germline.

Literature cited by the submitters: PubMed 16427346 (cited by Labcorp Genetics (formerly Invitae), Labcorp); PubMed 22382802 (cited by Labcorp Genetics (formerly Invitae), Labcorp); PubMed 23409742 (cited by Labcorp Genetics (formerly Invitae), Labcorp).

NM_000116.5(TAFAZZIN):c.153C>A (p.Tyr51Ter)

Gene: TAFAZZIN (tafazzin, phospholipid-lysophospholipid transacylase; plus strand). Cytogenetic location: Xq28.
Variant type: single nucleotide variant.
Coding change: c.153C>A on transcript NM_000116.5 (MANE Select); coding-DNA position 153, C replaced by A.
Protein change: p.Tyr51Ter; replaces tyrosine 51 with a stop codon.
Molecular consequence: nonsense. On other transcripts: non-coding transcript variant (1).
Genome position (GRCh38, 1-based): chrX:154,412,129, C>A. VCF-style: chrX-154412129-C-A. GRCh37 (hg19) VCF-style: chrX-153640466-C-A.
Other names: c.207C>A, p.Tyr69Ter (NM_001303465.2, NM_001410698.1); c.153C>A, p.Tyr51Ter (NM_181311.4, NM_181312.4, NM_181313.4); short protein forms Y51*, Y69*.
Identifiers: ClinVar variation 2112174 (VCV002112174.7), dbSNP rs104894941, ClinGen allele CA415179644.